The following is an entry in ClinVar:

NM_022089.4(ATP13A2):c.352G>T (p.Glu118Ter)

Gene: ATP13A2 (ATPase cation transporting 13A2; minus strand). Cytogenetic location: 1p36.13.
Variant type: single nucleotide variant.
Coding change: c.352G>T on transcript NM_022089.4 (MANE Select); coding-DNA position 352, G replaced by T.
Protein change: p.Glu118Ter; replaces glutamic acid 118 with a stop codon.
Molecular consequence: nonsense.
Genome position (GRCh38, 1-based): chr1:17,004,817, C>A on the plus strand (G>T on the coding strand, the complement: ATP13A2 is on the minus strand). VCF-style: chr1-17004817-C-A. GRCh37 (hg19) VCF-style: chr1-17331312-C-A.
Other names: c.352G>T, p.Glu118Ter (NM_001141973.3, NM_001141974.3); short protein forms E118*.
Identifiers: ClinVar variation 3336424 (VCV003336424.1).
Genomic context (GRCh38, chr1:17,004,817, plus strand): 5'-GTACCGCCCCAACTGCCGCCTGGCTCCGGCCATCCTCTGCCTGGGACTGTGGGGACGGCT[C>A]CAGGCTGGGGAAGCAGGTGAGGGTTACTCTCGAGCTCTGGGAGCTGCCCTGGCACCTCCC-3'

ClinVar aggregate classification (germline): Pathogenic (1 of 4 stars; one submission).

Conditions:
Neurodegeneration with brain iron accumulation (NBIA). Identifiers: Orphanet 385, MedGen C2931845, MONDO:0018307.

gnomAD v4.1: 5 of 1,613,772 alleles (0.00031%); highest among the groups gnomAD compares: Non-Finnish European, 0.00042%; no homozygotes.

Submission:

Women's Health and Genetics/Laboratory Corporation of America, LabCorp
Classification: Pathogenic for Neurodegeneration with brain iron accumulation. Last evaluated: 2024-05-23. Review status: criteria provided, single submitter. Criteria: LabCorp Variant Classification Summary - May 2015. Collection method: clinical testing. Allele origin: germline.
Comment: Variant summary: ATP13A2 c.352G>T (p.Glu118X) results in a premature termination codon, predicted to cause a truncation of the encoded protein or absence of the protein due to nonsense mediated decay, which are commonly known mechanisms for disease. The variant allele was found at a frequency of 1.6e-05 in 250476 control chromosomes. To our knowledge, no occurrence of c.352G>T in individuals affected with Neurodegeneration With Brain Iron Accumulation and no experimental evidence demonstrating its impact on protein function have been reported. No submitters have cited clinical-significance assessments for this variant to ClinVar. Based on the evidence outlined above, the variant was classified as pathogenic.